The following is an entry in ClinVar:

NM_001385012.1(NBEA):c.2208_2210del (p.Met737del)

Gene: NBEA (neurobeachin; plus strand). Cytogenetic location: 13q13.3.
Variant type: Deletion.
Coding change: c.2208_2210del on transcript NM_001385012.1 (MANE Select); coding-DNA positions 2208 to 2210, 3 bases deleted (AAT; older notation c.2208_2210delAAT).
Protein change: p.Met737del; deletes methionine 737.
Molecular consequence: inframe deletion.
Genome position (GRCh38, 1-based): chr13:35,118,439-35,118,441, AAT deleted. VCF-style (leftmost placement, unchanged base first): chr13-35118438-CAAT-C. GRCh37 (hg19) VCF-style: chr13-35692575-CAAT-C.
Other names: c.2208_2210del, p.Met737del (NM_001379245.1, NM_015678.5); short protein forms M737del.
Identifiers: ClinVar variation 3367005 (VCV003367005.1).
Genomic context (GRCh38, chr13:35,118,438, plus strand): 5'-ATGAAAATATTCATGATGTGCTACAGTTACTGGTGGCTTTAATGTCGGAACACCCAGCCT[CAAT>C]GATACCAGCATTTGATCAAAGAAATGGAATAAGGTATGATTATAATATTAGTATTACTAT-3'

ClinVar aggregate classification (germline): Uncertain significance (1 of 4 stars; one submission).

Conditions:
Neurodevelopmental disorder with or without early-onset generalized epilepsy. Identifiers: MedGen C5436914, MONDO:0030930, OMIM 619157.

Submission:

Neuberg Centre For Genomic Medicine, NCGM
Classification: Uncertain significance for Neurodevelopmental disorder with or without early-onset generalized epilepsy. Last evaluated: 2023-05-20. Review status: criteria provided, single submitter. Criteria: ACMG Guidelines, 2015. Collection method: clinical testing. Allele origin: germline. Inheritance: Autosomal dominant inheritance. Affected: yes.
Comment: The inframe deletion variant c.2208_2210del(p.Met737del) in NBEA gene has not been reported previously as a pathogenic variant nor as a benign variant, to our knowledge. The observed variant is absent in gnomAD exomes database. This variant has not been submitted to the ClinVar database. This p.Met737del causes deletion of amino acid Methionine at position 737. For these reasons, this variant has been classified as Uncertain Significance (VUS).